The following is an entry in ClinVar:

NM_020975.6(RET):c.652C>T (p.Pro218Ser)

Gene: RET (ret proto-oncogene; plus strand). Cytogenetic location: 10q11.21.
Variant type: single nucleotide variant.
Coding change: c.652C>T on transcript NM_020975.6 (MANE Select); coding-DNA position 652, C replaced by T.
Protein change: p.Pro218Ser; replaces proline 218 with serine.
Molecular consequence: missense variant.
Genome position (GRCh38, 1-based): chr10:43,104,978, C>T. VCF-style: chr10-43104978-C-T. GRCh37 (hg19) VCF-style: chr10-43600426-C-T.
Other names: c.652C>T, p.Pro218Ser (NM_001406759.1, NM_001406760.1, NM_001406763.1 and 8 more transcripts); c.523C>T, p.Pro175Ser (NM_001406761.1, NM_001406762.1, NM_001406764.1 and 2 more transcripts); c.364C>T, p.Pro122Ser (NM_001406766.1, NM_001406767.1, NM_001406770.1); c.-111C>T (NM_001355216.2); short protein forms P218S, P122S, P175S.
Identifiers: ClinVar variation 584745 (VCV000584745.18), dbSNP rs1009392744, ClinGen allele CA206256784.

ClinVar aggregate classification (germline): Uncertain significance. Review status: criteria provided, multiple submitters, no conflicts (2 of 4 stars). 5 submissions from 5 submitters: Uncertain significance (5). Last evaluated 2026-01-30.

Conditions:
Pheochromocytoma. Also called: MAX-Related Hereditary Paraganglioma-Pheochromocytoma Syndrome. Identifiers: Orphanet 29072, MedGen C0031511, MONDO:0008233, OMIM 171300, HP:0002666.
Familial medullary thyroid carcinoma (MTC). Also called: Thyroid cancer, familial medullary; MTC, familial; Familial Medullary Thyroid Carcinoma (FMTC). Identifiers: Orphanet 653, Orphanet 99361, MedGen C1833921, MONDO:0007958, OMIM 155240.
Multiple endocrine neoplasia type 2B. Also called: Multiple endocrine neoplasia, type 3; MULTIPLE ENDOCRINE NEOPLASIA, TYPE IIB; MUCOSAL NEUROMA SYNDROME; MEN 2B; Multiple Endocrine Neoplasia Type 2B (MEN2B); MEN IIB. Identifiers: Orphanet 247709, Orphanet 653, MedGen C0025269, MeSH D018814, MONDO:0008082, OMIM 162300.
Multiple endocrine neoplasia type 2A. Also called: MULTIPLE ENDOCRINE NEOPLASIA, TYPE IIA; PTC SYNDROME; SIPPLE SYNDROME; MEN 2A; MEN-2A syndrome; Pheochromocytoma and amyloid producing medullary thyroid carcinoma. Identifiers: Orphanet 247698, Orphanet 653, MedGen C0025268, MeSH D018813, MONDO:0008234, OMIM 171400.
Hirschsprung disease, susceptibility to, 1 (HSCR1). Also called: RET-Related Hirschsprung Disease. Identifiers: Orphanet 388, MedGen C3888239, MONDO:0007723, OMIM 142623.
Hereditary cancer-predisposing syndrome. Also called: Neoplastic Syndromes, Hereditary; Hereditary Cancer Syndrome; Tumor predisposition; Hereditary neoplastic syndrome. Identifiers: Orphanet 140162, MedGen C0027672, MeSH D009386, MONDO:0015356.
Multiple endocrine neoplasia, type 2 (MEN2). Identifiers: Orphanet 653, MedGen C4048306, MONDO:0019003. Disease mechanism: gain of function.

Allele frequency attached by ClinVar (database versions not stated): gnomAD 0.00001; TOPMed 0.00001.

Submissions (5):

Labcorp Genetics (formerly Invitae), Labcorp
Classification: Uncertain significance for Multiple endocrine neoplasia, type 2. Last evaluated: 2026-01-30. Review status: criteria provided, single submitter. Criteria: Invitae Variant Classification Sherloc (09022015). Collection method: clinical testing. Allele origin: germline.
Comment: This sequence change replaces proline, which is neutral and non-polar, with serine, which is neutral and polar, at codon 218 of the RET protein (p.Pro218Ser). This variant is present in population databases (no rsID available, gnomAD 0.005%). This variant has not been reported in the literature in individuals affected with RET-related conditions. ClinVar contains an entry for this variant (Variation ID: 584745). An algorithm developed to predict the effect of missense changes on protein structure and function outputs the following: PolyPhen-2: "Benign". The serine amino acid residue is found in multiple mammalian species, which suggests that this missense change does not adversely affect protein function. In summary, the available evidence is currently insufficient to determine the role of this variant in disease. Therefore, it has been classified as a Variant of Uncertain Significance.

Ambry Genetics
Classification: Uncertain significance for Hereditary cancer-predisposing syndrome. Last evaluated: 2024-10-21. Review status: criteria provided, single submitter. Criteria: Ambry Variant Classification Scheme 2023. Collection method: clinical testing. Allele origin: germline.
Comment: The p.P218S variant (also known as c.652C>T), located in coding exon 4 of the RET gene, results from a C to T substitution at nucleotide position 652. The proline at codon 218 is replaced by serine, an amino acid with similar properties. This amino acid position is conserved. In addition, this alteration is predicted to be tolerated by in silico analysis. Since supporting evidence is limited at this time, the clinical significance of this alteration remains unclear.

All of Us Research Program, National Institutes of Health
Classification: Uncertain significance for Multiple endocrine neoplasia, type 2. Last evaluated: 2023-03-23. Review status: criteria provided, single submitter. Criteria: ACMG Guidelines, 2015. Collection method: clinical testing. Allele origin: germline. Inheritance: Autosomal dominant inheritance. Observed: 1 variant allele, 1 heterozygote.
Comment: This missense variant replaces proline with serine at codon 218 of the RET protein. Computational prediction suggests that this variant may not impact protein structure and function (internally defined REVEL score threshold <= 0.5, PMID: 27666373). To our knowledge, functional studies have not been reported for this variant. This variant has not been reported in individuals affected with RET-related disorders in the literature. This variant has been identified in 1/226486 chromosomes in the general population by the Genome Aggregation Database (gnomAD). The available evidence is insufficient to determine the role of this variant in disease conclusively. Therefore, this variant is classified as a Variant of Uncertain Significance.

This study involves interpretation of variants in research participants for the purpose of population health screening. Participant phenotype was not available at the time of variant classification. Additional details can be found in publication PMID: 35346344, PMCID: PMC8962531

Fulgent Genetics
Classification: Uncertain significance for Hirschsprung disease, susceptibility to, 1; Familial medullary thyroid carcinoma; Multiple endocrine neoplasia type 2B; Pheochromocytoma; Multiple endocrine neoplasia type 2A. Last evaluated: 2022-02-03. Review status: criteria provided, single submitter. Criteria: ACMG Guidelines, 2015. Collection method: clinical testing. Allele origin: unknown.

Mendelics
Classification: Uncertain significance for Multiple endocrine neoplasia, type 2a. Last evaluated: 2018-07-02. Review status: criteria provided, single submitter. Criteria: Mendelics Assertion Criteria 2017. Collection method: clinical testing. Allele origin: unknown.